The following is an entry in ClinVar:

NM_002246.3(KCNK3):c.469G>T (p.Ala157Ser)

Gene: KCNK3 (potassium two pore domain channel subfamily K member 3; plus strand). Cytogenetic location: 2p23.3.
Variant type: single nucleotide variant.
Coding change: c.469G>T on transcript NM_002246.3 (MANE Select); coding-DNA position 469, G replaced by T.
Protein change: p.Ala157Ser; replaces alanine 157 with serine.
Molecular consequence: missense variant.
Genome position (GRCh38, 1-based): chr2:26,727,852, G>T. VCF-style: chr2-26727852-G-T. GRCh37 (hg19) VCF-style: chr2-26950720-G-T.
Other names: short protein forms A157S.
Identifiers: ClinVar variation 4749470 (VCV004749470.1).
Genomic context (GRCh38, chr2:26,727,852, plus strand): 5'-AGGTACCTGCTGCACCGCGCCAAGAAGGGGCTGGGCATGCGGCGCGCCGACGTGTCCATG[G>T]CCAACATGGTGCTCATCGGCTTCTTCTCGTGCATCAGCACGCTGTGCATCGGCGCCGCCG-3'
Protein context (NP_002237.1, residues 147-167): LGMRRADVSM[Ala157Ser]NMVLIGFFSC

ClinVar aggregate classification (germline): Uncertain significance (1 of 4 stars; one submission).

Conditions:
Pulmonary hypertension, primary, 4. Identifiers: Orphanet 422, MedGen C3809198, MONDO:0014136, OMIM 615344.

gnomAD v4.1: 9 of 1,613,726 alleles (0.00056%); highest among the groups gnomAD compares: Non-Finnish European, 0.00076%; no homozygotes.

Submission:

Labcorp Genetics (formerly Invitae), Labcorp
Classification: Uncertain significance for Pulmonary hypertension, primary, 4. Last evaluated: 2025-05-11. Review status: criteria provided, single submitter. Criteria: Invitae Variant Classification Sherloc (09022015). Collection method: clinical testing. Allele origin: germline.
Comment: This sequence change replaces alanine, which is neutral and non-polar, with serine, which is neutral and polar, at codon 157 of the KCNK3 protein (p.Ala157Ser). This variant is not present in population databases (gnomAD no frequency). This variant has not been reported in the literature in individuals affected with KCNK3-related conditions. Invitae Evidence Modeling of protein sequence and biophysical properties (such as structural, functional, and spatial information, amino acid conservation, physicochemical variation, residue mobility, and thermodynamic stability) indicates that this missense variant is not expected to disrupt KCNK3 protein function with a negative predictive value of 80%. In summary, the available evidence is currently insufficient to determine the role of this variant in disease. Therefore, it has been classified as a Variant of Uncertain Significance.